The following is an entry in ClinVar:

NM_005499.3(UBA2):c.1715A>G (p.Asp572Gly)

Gene: UBA2 (ubiquitin like modifier activating enzyme 2; plus strand). Cytogenetic location: 19q13.11.
Variant type: single nucleotide variant.
Coding change: c.1715A>G on transcript NM_005499.3 (MANE Select); coding-DNA position 1715, A replaced by G.
Protein change: p.Asp572Gly; replaces aspartic acid 572 with glycine.
Molecular consequence: missense variant.
Genome position (GRCh38, 1-based): chr19:34,466,988, A>G. VCF-style: chr19-34466988-A-G. GRCh37 (hg19) VCF-style: chr19-34957893-A-G.
Other names: c.1427A>G, p.Asp476Gly (NM_001411139.1); short protein forms D476G, D572G.
Identifiers: ClinVar variation 5017977 (VCV005017977.1).

ClinVar aggregate classification (germline): Uncertain significance (1 of 4 stars; one submission).

gnomAD v4.1: 3 of 1,614,164 alleles (0.00019%); highest among the groups gnomAD compares: African/African-American, 0.0013%; no homozygotes.

Submission:

GeneDx
Classification: Uncertain significance. Last evaluated: 2026-04-05. Review status: criteria provided, single submitter. Criteria: GeneDx Variant Classification Process June 2021. Collection method: clinical testing. Allele origin: germline.
Comment: Not observed at significant frequency in large population cohorts (gnomAD); In silico analysis suggests that this missense variant does not alter protein structure/function; Has not been previously published as pathogenic or benign to our knowledge